The following is an entry in ClinVar:

ClinVar aggregate classification (germline): Uncertain significance. Review status: criteria provided, multiple submitters, no conflicts (2 of 4 stars). 3 submissions from 3 submitters: Uncertain significance (3). Last evaluated 2024-08-01.

Conditions:
Cardiovascular phenotype. Identifiers: MedGen CN230736.
Arrhythmogenic right ventricular dysplasia 8 (ARVD8). Also called: Arrhythmogenic Right Ventricular Dysplasia/Cardiomyopathy 8; ARRHYTHMOGENIC RIGHT VENTRICULAR DYSPLASIA, FAMILIAL, 8; ARRHYTHMOGENIC RIGHT VENTRICULAR CARDIOMYOPATHY 8. Identifiers: MedGen C1843896, MONDO:0011831, OMIM 607450.
Arrhythmogenic cardiomyopathy with wooly hair and keratoderma. Also called: PALMOPLANTAR KERATODERMA WITH LEFT VENTRICULAR CARDIOMYOPATHY AND WOOLLY HAIR; Carvajal syndrome; Arrhythmogenic cardiomyopathy with woolly hair and keratoderma; Dilated cardiomyopathy with woolly hair and keratoderma. Identifiers: Orphanet 65282, MedGen C1854063, MONDO:0011581, OMIM 605676.

Submissions (3):

Ambry Genetics
Classification: Uncertain significance for Cardiovascular phenotype. Last evaluated: 2024-08-01. Review status: criteria provided, single submitter. Criteria: Ambry Variant Classification Scheme 2023. Collection method: clinical testing. Allele origin: germline.
Comment: The c.5676_5678delGAA variant (also known as p.K1892del) is located in coding exon 24 of the DSP gene. This variant results from an in-frame GAA deletion at nucleotide positions 5676 to 5678. This results in the in-frame deletion of a lysine at codon 1892. This alteration has been reported in a cardiomyopathy cohort (van Waning JI et al. J Am Coll Cardiol, 2018 Feb;71:711-722; Mazzarotto F et al. Genet Med, 2021 May;23:856-864). This amino acid position is well conserved in available vertebrate species. In addition, the in silico prediction for this alteration is inconclusive (Choi Y et al. PLoS ONE. 2012; 7(10):e46688). Based on the available evidence, the clinical significance of this variant remains unclear.

GeneDx
Classification: Uncertain significance. Last evaluated: 2024-07-21. Review status: criteria provided, single submitter. Criteria: GeneDx Variant Classification Process June 2021. Collection method: clinical testing. Allele origin: germline. Affected: yes.
Comment: Not observed at significant frequency in large population cohorts (gnomAD); In-frame deletion of 1 amino acid in a non-repeat region; In silico analysis supports a deleterious effect on protein structure/function; This variant is associated with the following publications: (PMID: 35982159, 33057194)

Labcorp Genetics (formerly Invitae), Labcorp
Classification: Uncertain significance for Arrhythmogenic cardiomyopathy with wooly hair and keratoderma; Arrhythmogenic right ventricular dysplasia 8. Last evaluated: 2023-08-23. Review status: criteria provided, single submitter. Criteria: Invitae Variant Classification Sherloc (09022015). Collection method: clinical testing. Allele origin: germline.
Comment: In summary, the available evidence is currently insufficient to determine the role of this variant in disease. Therefore, it has been classified as a Variant of Uncertain Significance. Experimental studies and prediction algorithms are not available or were not evaluated, and the functional significance of this variant is currently unknown. This variant has not been reported in the literature in individuals affected with DSP-related conditions. This variant is present in population databases (rs768845836, gnomAD 0.009%). This variant, c.5676_5678del, results in the deletion of 1 amino acid(s) of the DSP protein (p.Lys1892del), but otherwise preserves the integrity of the reading frame.

Literature cited by the submitters: PubMed 29447731 (cited by Ambry Genetics); PubMed 33500567 (cited by Ambry Genetics).

NM_004415.4(DSP):c.5673GAA[1] (p.Lys1892del)

Gene: DSP (desmoplakin; plus strand). Cytogenetic location: 6p24.3.
Variant type: Microsatellite.
Coding change: c.5673GAA[1] on transcript NM_004415.4 (MANE Select); one copy of the 3-base unit GAA starting at c.5673; the reference has two copies in a row; one copy, 3 bases deleted; also written c.5676_5678del.
Protein change: p.Lys1892del; deletes lysine 1892.
Molecular consequence: inframe deletion. On other transcripts: inframe indel (1).
Genome position (GRCh38, 1-based): chr6:7,582,938-7,582,940, GAA deleted; deleting any 3 consecutive bases within chr6:7,582,934-7,582,940 gives the same sequence; the position shown is the placement nearest the transcript's 3' end. VCF-style (leftmost placement, unchanged base first): chr6-7582933-GAGA-G. GRCh37 (hg19) VCF-style: chr6-7583166-GAGA-G.
Other names: c.5676_5678delGAA (NM_004415.2); c.5676_5678del (NM_004415.2); c.3876GAA[1], p.Lys1293del (NM_001008844.3); c.4344GAA[1], p.Lys1449del (NM_001319034.2); c.5673_5675GAA[1], p.Lys1892del (NM_004415.2); short protein forms K1293del, K1449del, K1892del.
Identifiers: ClinVar variation 2926046 (VCV002926046.5), dbSNP rs768845836, ClinGen allele CA045520.